The following is an entry in ClinVar:

ClinVar aggregate classification (germline): Pathogenic (1 of 4 stars; one submission).

Conditions:
Autosomal recessive limb-girdle muscular dystrophy type 2O. Also called: MUSCULAR DYSTROPHY-DYSTROGLYCANOPATHY (LIMB-GIRDLE), TYPE C, 3; MUSCULAR DYSTROPHY-DYSTROGLYCANOPATHY, LIMB-GIRDLE, POMGNT1-RELATED; Limb-Girdle Muscular Dystrophy Type 3C. Identifiers: Orphanet 206564, MedGen C3150417, MONDO:0013161, OMIM 613157.
Muscular dystrophy-dystroglycanopathy (congenital with impaired intellectual development), type B, 3. Also called: MUSCULAR DYSTROPHY, CONGENITAL, POMGNT1-RELATED; Muscular dystrophy-dystroglycanopathy (congenital with intellectual disability), type B3. Identifiers: MedGen C3150412, MONDO:0013155, OMIM 613151.

gnomAD v4.1: 9 of 1,614,158 alleles (0.00056%); highest among the groups gnomAD compares: Non-Finnish European, 0.00076%; no homozygotes.

Submission:

Labcorp Genetics (formerly Invitae), Labcorp
Classification: Pathogenic for Autosomal recessive limb-girdle muscular dystrophy type 2O; Muscular dystrophy-dystroglycanopathy (congenital with impaired intellectual development), type B, 3. Last evaluated: 2025-01-24. Review status: criteria provided, single submitter. Criteria: Invitae Variant Classification Sherloc (09022015). Collection method: clinical testing. Allele origin: germline.
Comment: This sequence change creates a premature translational stop signal (p.Trp21*) in the POMGNT1 gene. It is expected to result in an absent or disrupted protein product. Loss-of-function variants in POMGNT1 are known to be pathogenic (PMID: 19299310, 20816175, 21447391, 26908613, 27391550). This variant is not present in population databases (gnomAD no frequency). This variant has not been reported in the literature in individuals affected with POMGNT1-related conditions. For these reasons, this variant has been classified as Pathogenic.

Literature cited by the submitters: PubMed 19299310; PubMed 20816175; PubMed 21447391; PubMed 26908613; PubMed 27391550.

NM_017739.4(POMGNT1):c.63G>A (p.Trp21Ter)

Gene: POMGNT1 (protein O-linked mannose N-acetylglucosaminyltransferase 1 (beta 1,2-); minus strand). Cytogenetic location: 1p34.1.
Variant type: single nucleotide variant.
Coding change: c.63G>A on transcript NM_017739.4 (MANE Select); coding-DNA position 63, G replaced by A.
Protein change: p.Trp21Ter; replaces tryptophan 21 with a stop codon.
Molecular consequence: nonsense.
Genome position (GRCh38, 1-based): chr1:46,197,759, C>T on the plus strand (G>A on the coding strand, the complement: POMGNT1 is on the minus strand). VCF-style: chr1-46197759-C-T. GRCh37 (hg19) VCF-style: chr1-46663431-C-T.
Other names: c.63G>A, p.Trp21Ter (NM_001243766.2, NM_001410783.1); short protein forms W21*.
Identifiers: ClinVar variation 3763511 (VCV003763511.2).